The following is an entry in ClinVar:

NM_000465.4(BARD1):c.1759G>A (p.Glu587Lys)

Gene: BARD1 (BRCA1 associated RING domain 1; minus strand). Cytogenetic location: 2q35.
Variant type: single nucleotide variant.
Coding change: c.1759G>A on transcript NM_000465.4 (MANE Select); coding-DNA position 1759, G replaced by A.
Protein change: p.Glu587Lys; replaces glutamic acid 587 with lysine.
Molecular consequence: missense variant. On other transcripts: non-coding transcript variant (3), intron variant (1).
Genome position (GRCh38, 1-based): chr2:214,745,773, C>T on the plus strand (G>A on the coding strand, the complement: BARD1 is on the minus strand). VCF-style: chr2-214745773-C-T. GRCh37 (hg19) VCF-style: chr2-215610497-C-T.
Other names: c.406G>A, p.Glu136Lys (NM_001282545.2); c.349G>A, p.Glu117Lys (NM_001282548.2); c.365-15265G>A (NM_001282549.2); c.1702G>A, p.Glu568Lys (NM_001282543.2); short protein forms E587K, E117K, E136K, E568K.
Identifiers: ClinVar variation 406782 (VCV000406782.15), dbSNP rs780820468, ClinGen allele CA2090176.

ClinVar aggregate classification (germline): Conflicting classifications of pathogenicity. Review status: criteria provided, conflicting classifications (1 of 4 stars). 2 submissions from 2 submitters: Uncertain significance (1); Likely benign (1). Last evaluated 2025-08-12.

Conditions:
Hereditary cancer-predisposing syndrome. Also called: Hereditary Cancer Syndrome; Hereditary neoplastic syndrome; Neoplastic Syndromes, Hereditary; Tumor predisposition. Identifiers: Orphanet 140162, MedGen C0027672, MeSH D009386, MONDO:0015356.
Familial cancer of breast. Also called: BREAST CANCER, FAMILIAL; Hereditary breast cancer; hereditary breast carcinoma. Identifiers: Orphanet 227535, MedGen C0346153, MONDO:0016419, OMIM 114480. Disease mechanism: loss of function.

Allele frequency attached by ClinVar (database versions not stated): gnomAD exomes below 0.00001; ExAC 0.00001.
gnomAD v4.1: 1 of 1,614,064 alleles (0.000062%); highest among the groups gnomAD compares: South Asian, 0.0011%; no homozygotes.

Submissions (2):

Ambry Genetics
Classification: Likely benign for Hereditary cancer-predisposing syndrome. Last evaluated: 2025-08-12. Review status: criteria provided, single submitter. Criteria: Ambry Variant Classification Scheme 2023. Collection method: clinical testing. Allele origin: germline.

Labcorp Genetics (formerly Invitae), Labcorp
Classification: Uncertain significance for Familial cancer of breast. Last evaluated: 2025-06-18. Review status: criteria provided, single submitter. Criteria: Invitae Variant Classification Sherloc (09022015). Collection method: clinical testing. Allele origin: germline.
Comment: This sequence change replaces glutamic acid, which is acidic and polar, with lysine, which is basic and polar, at codon 587 of the BARD1 protein (p.Glu587Lys). This variant is present in population databases (rs780820468, gnomAD 0.003%). This variant has not been reported in the literature in individuals affected with BARD1-related conditions. ClinVar contains an entry for this variant (Variation ID: 406782). An algorithm developed to predict the effect of missense changes on protein structure and function (PolyPhen-2) suggests that this variant is likely to be tolerated. In summary, the available evidence is currently insufficient to determine the role of this variant in disease. Therefore, it has been classified as a Variant of Uncertain Significance.